The following is an entry in ClinVar:

NM_001270974.2(HYDIN):c.11173C>T (p.Arg3725Trp)

Gene: HYDIN (HYDIN axonemal central pair apparatus protein; minus strand). Cytogenetic location: 16q22.2.
Variant type: single nucleotide variant.
Coding change: c.11173C>T on transcript NM_001270974.2 (MANE Select); coding-DNA position 11173, C replaced by T.
Protein change: p.Arg3725Trp; replaces arginine 3725 with tryptophan.
Molecular consequence: missense variant.
Genome position (GRCh38, 1-based): chr16:70,868,707, G>A on the plus strand (C>T on the coding strand, the complement: HYDIN is on the minus strand). VCF-style: chr16-70868707-G-A. GRCh37 (hg19) VCF-style: chr16-70902610-G-A.
Other names: short protein forms R3725W.
Identifiers: ClinVar variation 2646712 (VCV002646712.24), dbSNP rs79417681, ClinGen allele CA8149085.

ClinVar aggregate classification (germline): Likely benign (1 of 4 stars; one submission).

Allele frequency attached by ClinVar (database versions not stated): ExAC 0.00076; gnomAD 0.00157; 1000 Genomes Project 30x 0.01327.

Submission:

CeGaT Center for Human Genetics Tuebingen
Classification: Likely benign. Last evaluated: 2025-07-01. Review status: criteria provided, single submitter. Criteria: CeGaT Center For Human Genetics Tuebingen Variant Classification Criteria Version 2. Collection method: clinical testing. Allele origin: germline. Affected: yes. Observed: 4 variant alleles.
Comment: HYDIN: BP4